The following is an entry in ClinVar:

NM_014727.3(KMT2B):c.7172G>A (p.Ser2391Asn)

Gene: KMT2B (lysine methyltransferase 2B; plus strand). Cytogenetic location: 19q13.12.
Variant type: single nucleotide variant.
Coding change: c.7172G>A on transcript NM_014727.3 (MANE Select); coding-DNA position 7172, G replaced by A.
Protein change: p.Ser2391Asn; replaces serine 2391 with asparagine.
Molecular consequence: missense variant.
Genome position (GRCh38, 1-based): chr19:35,736,702, G>A. VCF-style: chr19-35736702-G-A. GRCh37 (hg19) VCF-style: chr19-36227603-G-A.
Other names: short protein forms S2391N.
Identifiers: ClinVar variation 2066783 (VCV002066783.4), dbSNP rs1419113128, ClinGen allele CA405433952.

ClinVar aggregate classification (germline): Uncertain significance (1 of 4 stars; one submission).

Allele frequency attached by ClinVar (database versions not stated): gnomAD exomes below 0.00001.
gnomAD v4.1: 1 of 1,613,854 alleles (0.000062%); highest among the groups gnomAD compares: Non-Finnish European, 0.000085%; no homozygotes.

Submission:

Labcorp Genetics (formerly Invitae), Labcorp
Classification: Uncertain significance. Last evaluated: 2022-06-04. Review status: criteria provided, single submitter. Criteria: Invitae Variant Classification Sherloc (09022015). Collection method: clinical testing. Allele origin: germline.
Comment: Algorithms developed to predict the effect of missense changes on protein structure and function are either unavailable or do not agree on the potential impact of this missense change (SIFT: "Tolerated"; PolyPhen-2: "Not Available"; Align-GVGD: "Class C0"). This sequence change replaces serine, which is neutral and polar, with asparagine, which is neutral and polar, at codon 2391 of the KMT2B protein (p.Ser2391Asn). This variant is not present in population databases (gnomAD no frequency). This variant has not been reported in the literature in individuals affected with KMT2B-related conditions. In summary, the available evidence is currently insufficient to determine the role of this variant in disease. Therefore, it has been classified as a Variant of Uncertain Significance.